The following is an entry in ClinVar:

ClinVar aggregate classification (germline): Conflicting classifications of pathogenicity. Review status: criteria provided, conflicting classifications (1 of 4 stars). 2 submissions from 2 submitters: Uncertain significance (1); Likely benign (1). Last evaluated 2023-07-10.

Conditions:
Vesicoureteral reflux 2 (VUR2). Identifiers: Orphanet 289365, MedGen C1970483, MONDO:0012573, OMIM 610878.
Inborn genetic diseases. Identifiers: MedGen C0950123, MeSH D030342.

Allele frequency attached by ClinVar (database versions not stated): gnomAD 0.00001; ExAC 0.00002.
gnomAD v4.1: 35 of 1,613,210 alleles (0.0022%); highest among the groups gnomAD compares: Non-Finnish European, 0.003%; no homozygotes.

Submissions (2):

Ambry Genetics
Classification: Uncertain significance for Inborn genetic diseases. Last evaluated: 2023-07-10. Review status: criteria provided, single submitter. Criteria: Ambry Variant Classification Scheme 2023. Collection method: clinical testing. Allele origin: germline.

Illumina Laboratory Services, Illumina
Classification: Likely benign for Vesicoureteral reflux 2. Last evaluated: 2018-01-12. Review status: criteria provided, single submitter. Criteria: ICSL Variant Classification Criteria 13 December 2019. Collection method: clinical testing. Allele origin: germline.
Comment: This variant was observed in the ICSL laboratory as part of a predisposition screen in an ostensibly healthy population. It had not been previously curated by ICSL or reported in the Human Gene Mutation Database (HGMD: prior to June 1st, 2018), and was therefore a candidate for classification through an automated scoring system. Utilizing variant allele frequency, disease prevalence and penetrance estimates, and inheritance mode, an automated score was calculated to assess if this variant is too frequent to cause the disease. Based on the score and internal cut-off values, a variant classified as likely benign is not then subjected to further curation. The score for this variant resulted in a classification of likely benign for this disease.

NM_001395656.1(ROBO2):c.1706G>C (p.Ser569Thr)

Gene: ROBO2 (roundabout guidance receptor 2; plus strand). Cytogenetic location: 3p12.3.
Variant type: single nucleotide variant.
Coding change: c.1706G>C on transcript NM_001395656.1 (MANE Select); coding-DNA position 1706, G replaced by C.
Protein change: p.Ser569Thr; replaces serine 569 with threonine.
Molecular consequence: missense variant. On other transcripts: 5 prime UTR variant (1).
Genome position (GRCh38, 1-based): chr3:77,564,965, G>C. VCF-style: chr3-77564965-G-C. GRCh37 (hg19) VCF-style: chr3-77614116-G-C.
Other names: c.1742G>C, p.Ser581Thr (NM_001128929.3); c.1706G>C, p.Ser569Thr (NM_001290039.2, NM_001290040.2, NM_001378202.1); c.-86G>C (NM_001290065.2); c.1754G>C, p.Ser585Thr (NM_001378190.1, NM_001378191.1, NM_001378195.1 and 4 more transcripts); c.1775G>C, p.Ser592Thr (NM_001378192.1, NM_001378194.1, NM_001378198.1 and 2 more transcripts); c.1694G>C, p.Ser565Thr (NM_001378193.1, NM_001378197.1, NM_002942.5); c.1763G>C, p.Ser588Thr (NM_001394212.1, NM_001394214.1, NM_001395657.1); short protein forms S565T, S581T, S569T, S585T, S588T, S592T.
Identifiers: ClinVar variation 346688 (VCV000346688.8), dbSNP rs761048204, ClinGen allele CA2497133.